The following is an entry in ClinVar:

NM_002490.6(NDUFA6):c.285del (p.Val96fs)

Gene: NDUFA6 (NADH:ubiquinone oxidoreductase subunit A6; minus strand). Cytogenetic location: 22q13.2.
Variant type: Deletion.
Coding change: c.285del on transcript NM_002490.6 (MANE Select); coding-DNA position 285, one base deleted (A; older notation c.285delA).
Protein change: p.Val96fs; shifts the reading frame from valine 96.
Molecular consequence: frameshift variant.
Genome position (GRCh38, 1-based): chr22:42,086,285, T deleted on the plus strand (A on the coding strand, the reverse complement: NDUFA6 is on the minus strand); the first of 3 consecutive T bases (chr22:42,086,285-42,086,287); deleting any one gives the same sequence. VCF-style (leftmost placement, unchanged base first): chr22-42086284-CT-C. GRCh37 (hg19) VCF-style: chr22-42482288-CT-C.
Other names: c.285delA (NM_002490.6); short protein forms V96fs.
Identifiers: ClinVar variation 4850231 (VCV004850231.1).
Genomic context (GRCh38, chr22:42,086,284, plus strand): 5'-TTGGCCTTGGCGCTTCTGTTTCATGGAAGAACCGCATAACATGTGTCCGCTGCTTCCATA[CT>C]TTAATTGTTTCTTCCAGTTCGATCTTTCCCTGAACAGTGAGGAGAGAGGTCATCAGTCAA-3'

ClinVar aggregate classification (germline): Likely pathogenic (1 of 4 stars; one submission).

Conditions:
Mitochondrial complex I deficiency, nuclear type 33. Also called: Mitochondrial complex 1 deficiency, nuclear type 33. Identifiers: MedGen C4748840, MONDO:0032636, OMIM 618253.

Submission:

First Genomix Gene Laboratory, Genetic Diagnostics Department
Classification: Likely pathogenic for Mitochondrial complex I deficiency, nuclear type 33. Last evaluated: 2025-08-26. Review status: criteria provided, single submitter. Criteria: ACMG Guidelines, 2015. Collection method: clinical testing. Allele origin: germline. Inheritance: Autosomal recessive inheritance. Affected: no. Observed: 1 variant allele.